The following is an entry in ClinVar:

NM_002470.4(MYH3):c.3469G>A (p.Val1157Ile)

Gene: MYH3 (myosin heavy chain 3; minus strand). Cytogenetic location: 17p13.1.
Variant type: single nucleotide variant.
Coding change: c.3469G>A on transcript NM_002470.4 (MANE Select); coding-DNA position 3469, G replaced by A.
Protein change: p.Val1157Ile; replaces valine 1157 with isoleucine.
Molecular consequence: missense variant.
Genome position (GRCh38, 1-based): chr17:10,638,303, C>T on the plus strand (G>A on the coding strand, the complement: MYH3 is on the minus strand). VCF-style: chr17-10638303-C-T. GRCh37 (hg19) VCF-style: chr17-10541620-C-T.
Other names: short protein forms V1157I.
Identifiers: ClinVar variation 2169063 (VCV002169063.5), dbSNP rs202057477, ClinGen allele CA8392499.

ClinVar aggregate classification (germline): Uncertain significance. Review status: criteria provided, multiple submitters, no conflicts (2 of 4 stars). 2 submissions from 2 submitters: Uncertain significance (2). Last evaluated 2024-08-09.

Conditions:
Contractures, pterygia, and spondylocarpotarsal fusion syndrome 1A (CPSFS1A). Also called: Distal arthrogryposis type 8; Contractures, pterygia, and variable skeletal fusions syndrome 1A; MULTIPLE PTERYGIUM SYNDROME, AUTOSOMAL DOMINANT. Identifiers: Orphanet 65743, MedGen C1867440, MONDO:0008338, OMIM 178110.
Freeman-Sheldon syndrome (DA2A). Also called: CRANIOCARPOTARSAL DYSPLASIA; CRANIOCARPOTARSAL DYSTROPHY; WHISTLING FACE-WINDMILL VANE HAND SYNDROME; Arthrogryposis, distal, type 2A (Freeman-Sheldon). Identifiers: Orphanet 2053, MedGen C0265224, MONDO:0008675, OMIM 193700.
Arthrogryposis, distal, type 2B3. Also called: Arthrogryposis, distal, type 2B3 (Sheldon-Hall). Identifiers: MedGen C5193098, MONDO:0032751, OMIM 618436.
Contractures, pterygia, and variable skeletal fusions syndrome 1B. Also called: CONTRACTURES, PTERYGIA, AND SPONDYLOCARPOTARSAL FUSION SYNDROME 1B. Identifiers: MedGen C5193114, MONDO:0020746, OMIM 618469.

Allele frequency attached by ClinVar (database versions not stated): gnomAD 0.00005; 1000 Genomes Project 30x 0.00031; 1000 Genomes Project 0.00040.
gnomAD v4.1: 34 of 1,613,056 alleles (0.0021%); highest among the groups gnomAD compares: Middle Eastern, 0.017%; no homozygotes.

Submissions (2):

Labcorp Genetics (formerly Invitae), Labcorp
Classification: Uncertain significance. Last evaluated: 2024-08-09. Review status: criteria provided, single submitter. Criteria: Invitae Variant Classification Sherloc (09022015). Collection method: clinical testing. Allele origin: germline.
Comment: This sequence change replaces valine, which is neutral and non-polar, with isoleucine, which is neutral and non-polar, at codon 1157 of the MYH3 protein (p.Val1157Ile). This variant is present in population databases (rs202057477, gnomAD 0.03%). This variant has not been reported in the literature in individuals affected with MYH3-related conditions. ClinVar contains an entry for this variant (Variation ID: 2169063). Advanced modeling of protein sequence and biophysical properties (such as structural, functional, and spatial information, amino acid conservation, physicochemical variation, residue mobility, and thermodynamic stability) performed at Invitae indicates that this missense variant is not expected to disrupt MYH3 protein function with a negative predictive value of 95%. In summary, the available evidence is currently insufficient to determine the role of this variant in disease. Therefore, it has been classified as a Variant of Uncertain Significance.

Department of Pathology and Laboratory Medicine, Sinai Health System
Classification: Uncertain significance for Contractures, pterygia, and spondylocarpotarsal fusion syndrome 1A; Freeman-Sheldon syndrome; Arthrogryposis, distal, type 2B3; Contractures, pterygia, and variable skeletal fusions syndrome 1B. Last evaluated: 2022-05-10. Review status: criteria provided, single submitter. Criteria: ACMG Guidelines, 2015. Collection method: research. Allele origin: germline.